The following is an entry in ClinVar:

NM_000092.5(COL4A4):c.485C>T (p.Pro162Leu)

Gene: COL4A4 (collagen type IV alpha 4 chain; minus strand). Cytogenetic location: 2q36.3.
Variant type: single nucleotide variant.
Coding change: c.485C>T on transcript NM_000092.5 (MANE Select); coding-DNA position 485, C replaced by T.
Protein change: p.Pro162Leu; replaces proline 162 with leucine.
Molecular consequence: missense variant.
Genome position (GRCh38, 1-based): chr2:227,118,649, G>A on the plus strand (C>T on the coding strand, the complement: COL4A4 is on the minus strand). VCF-style: chr2-227118649-G-A. GRCh37 (hg19) VCF-style: chr2-227983365-G-A.
Other names: short protein forms P162L.
Identifiers: ClinVar variation 1305208 (VCV001305208.3), dbSNP rs901711159, ClinGen allele CA66575283.

ClinVar aggregate classification (germline): Uncertain significance. Review status: criteria provided, multiple submitters, no conflicts (2 of 4 stars). 2 submissions from 2 submitters: Uncertain significance (2). Last evaluated 2024-01-12.

Allele frequency attached by ClinVar (database versions not stated): gnomAD 0.00001; TOPMed 0.00001.
gnomAD v4.1: 2 of 1,611,224 alleles (0.00012%); highest among the groups gnomAD compares: African/African-American, 0.0027%; no homozygotes.

Submissions (2):

Women's Health and Genetics/Laboratory Corporation of America, LabCorp
Classification: Uncertain significance. Last evaluated: 2024-01-12. Review status: criteria provided, single submitter. Criteria: LabCorp Variant Classification Summary - May 2015. Collection method: clinical testing. Allele origin: germline.
Comment: Variant summary: COL4A4 c.485C>T (p.Pro162Leu) results in a non-conservative amino acid change located in the Collagen triple helix repeat (IPR008160) of the encoded protein sequence. Three of five in-silico tools predict a benign effect of the variant on protein function. The variant was absent in 249078 control chromosomes. The available data on variant occurrences in the general population are insufficient to allow any conclusion about variant significance. To our knowledge, no occurrence of c.485C>T in individuals affected with Alport Syndrome, Autosomal Recessive and no experimental evidence demonstrating its impact on protein function have been reported. ClinVar contains an entry for this variant (Variation ID: 1305208). Based on the evidence outlined above, the variant was classified as uncertain significance.

GeneDx
Classification: Uncertain significance. Last evaluated: 2019-04-22. Review status: criteria provided, single submitter. Criteria: GeneDx Variant Classification Process June 2021. Collection method: clinical testing. Allele origin: germline. Affected: yes.
Comment: Not observed in large population cohorts (Lek et al., 2016); In silico analysis, which includes protein predictors and evolutionary conservation, supports that this variant does not alter protein structure/function; Has not been previously published as pathogenic or benign to our knowledge